The following is an entry in ClinVar:

ClinVar aggregate classification (germline): Uncertain significance (1 of 4 stars; one submission).

Conditions:
Inborn genetic diseases. Identifiers: MedGen C0950123, MeSH D030342.

Submission:

Ambry Genetics
Classification: Uncertain significance for Inborn genetic diseases. Last evaluated: 2025-06-27. Review status: criteria provided, single submitter. Criteria: Ambry Variant Classification Scheme 2023. Collection method: clinical testing. Allele origin: germline.
Comment: The p.Q368H variant (also known as c.1104G>T), located in coding exon 9 of the CEP57 gene, results from a G to T substitution at nucleotide position 1104. The glutamine at codon 368 is replaced by histidine, an amino acid with highly similar properties. This amino acid position is conserved. In addition, the in silico prediction for this alteration is inconclusive. Based on the available evidence, the clinical significance of this variant remains unclear.

NM_014679.5(CEP57):c.1104G>T (p.Gln368His)

Gene: CEP57 (centrosomal protein 57; plus strand). Cytogenetic location: 11q21.
Variant type: single nucleotide variant.
Coding change: c.1104G>T on transcript NM_014679.5 (MANE Select); coding-DNA position 1104, G replaced by T.
Protein change: p.Gln368His; replaces glutamine 368 with histidine.
Molecular consequence: missense variant.
Genome position (GRCh38, 1-based): chr11:95,828,004, G>T. VCF-style: chr11-95828004-G-T. GRCh37 (hg19) VCF-style: chr11-95561168-G-T.
Other names: c.1077G>T, p.Gln359His (NM_001243776.2); c.1026G>T, p.Gln342His (NM_001243777.2); c.1023G>T, p.Gln341His (NM_001363604.2, NM_001440869.1, NM_001440870.1); c.996G>T, p.Gln332His (NM_001440871.1); c.987G>T, p.Gln329His (NM_001440872.1); c.801G>T, p.Gln267His (NM_001440882.1); c.924G>T, p.Gln308His (NM_001440873.1); c.918G>T, p.Gln306His (NM_001440874.1); and 6 more; short protein forms Q267H, Q308H, Q341H, Q269H, Q359H, Q293H, Q302H, Q303H.
Identifiers: ClinVar variation 4226335 (VCV004226335.1).